The following is an entry in ClinVar:

NM_206933.4(USH2A):c.9235C>G (p.Pro3079Ala)

Gene: USH2A (usherin; minus strand). Cytogenetic location: 1q41.
Variant type: single nucleotide variant.
Coding change: c.9235C>G on transcript NM_206933.4 (MANE Select); coding-DNA position 9235, C replaced by G.
Protein change: p.Pro3079Ala; replaces proline 3079 with alanine.
Molecular consequence: missense variant.
Genome position (GRCh38, 1-based): chr1:215,844,317, G>C on the plus strand (C>G on the coding strand, the complement: USH2A is on the minus strand). VCF-style: chr1-215844317-G-C. GRCh37 (hg19) VCF-style: chr1-216017659-G-C.
Other names: short protein forms P3079A.
Identifiers: ClinVar variation 955258 (VCV000955258.9), dbSNP rs1663778262, ClinGen allele CA344838521.
Genomic context (GRCh38, chr1:215,844,317, plus strand): 5'-ATCCATAAGCCTAACCATCAAAAAACAATGTTCTAACCTGAATGTCATAGATAGTGAAGG[G>C]AGACAGGTCTCTCAGAATAAACGACCCAGGCACATTCATTCCAGTCTTGTAGAGCTTATT-3'
Protein context (NP_996816.3, residues 3069-3089): PGSFILRDLS[Pro3079Ala]FTIYDIQVEV

ClinVar aggregate classification (germline): Uncertain significance (1 of 4 stars; one submission).

Submission:

Labcorp Genetics (formerly Invitae), Labcorp
Classification: Uncertain significance. Last evaluated: 2019-08-21. Review status: criteria provided, single submitter. Criteria: Invitae Variant Classification Sherloc (09022015). Collection method: clinical testing. Allele origin: germline.
Comment: In summary, the available evidence is currently insufficient to determine the role of this variant in disease. Therefore, it has been classified as a Variant of Uncertain Significance. Algorithms developed to predict the effect of missense changes on protein structure and function are either unavailable or do not agree on the potential impact of this missense change (SIFT: "Deleterious"; PolyPhen-2: "Probably Damaging"; Align-GVGD: "Class C0"). This variant has not been reported in the literature in individuals with USH2A-related conditions. This variant is not present in population databases (ExAC no frequency). This sequence change replaces proline with alanine at codon 3079 of the USH2A protein (p.Pro3079Ala). The proline residue is highly conserved and there is a small physicochemical difference between proline and alanine.